The following is an entry in ClinVar:

ClinVar aggregate classification (germline): Likely benign (1 of 4 stars; one submission).

Allele frequency attached by ClinVar (database versions not stated): 1000 Genomes Project 30x 0.00047; 1000 Genomes Project 0.00060; TOPMed 0.00184; ESP Exome Variant Server 0.00185; ExAC 0.00194; gnomAD 0.00219; gnomAD exomes 0.00244.

Submission:

CeGaT Center for Human Genetics Tuebingen
Classification: Likely benign. Last evaluated: 2023-02-01. Review status: criteria provided, single submitter. Criteria: CeGaT Center For Human Genetics Tuebingen Variant Classification Criteria Version 2. Collection method: clinical testing. Allele origin: germline. Affected: yes. Observed: 1 variant allele.
Comment: MED26: BP4, BS2

NM_004831.5(MED26):c.1777A>G (p.Ile593Val)

Gene: MED26 (mediator complex subunit 26; minus strand). Cytogenetic location: 19p13.11.
Variant type: single nucleotide variant.
Coding change: c.1777A>G on transcript NM_004831.5 (MANE Select); coding-DNA position 1777, A replaced by G.
Protein change: p.Ile593Val; replaces isoleucine 593 with valine.
Molecular consequence: missense variant.
Genome position (GRCh38, 1-based): chr19:16,576,053, T>C on the plus strand (A>G on the coding strand, the complement: MED26 is on the minus strand). VCF-style: chr19-16576053-T-C. GRCh37 (hg19) VCF-style: chr19-16686864-T-C.
Other names: short protein forms I593V.
Identifiers: ClinVar variation 2649514 (VCV002649514.24), dbSNP rs143085065, ClinGen allele CA9280325.